The following is an entry in ClinVar:

NM_014252.4(SLC25A15):c.565G>A (p.Gly189Ser)

Gene: SLC25A15 (solute carrier family 25 member 15; plus strand). Cytogenetic location: 13q14.11.
Variant type: single nucleotide variant.
Coding change: c.565G>A on transcript NM_014252.4 (MANE Select); coding-DNA position 565, G replaced by A.
Protein change: p.Gly189Ser; replaces glycine 189 with serine.
Molecular consequence: missense variant.
Genome position (GRCh38, 1-based): chr13:40,807,406, G>A. VCF-style: chr13-40807406-G-A. GRCh37 (hg19) VCF-style: chr13-41381542-G-A.
Other names: short protein forms G189S.
Identifiers: ClinVar variation 312181 (VCV000312181.24), dbSNP rs151239794, ClinGen allele CA6959761.
Genomic context (GRCh38, chr13:40,807,406, plus strand): 5'-TTCTACCATGGACTCTCAAGCACTTTACTTCGAGAAGTACCAGGCTATTTCTTCTTCTTC[G>A]GTGGCTATGAACTGAGCCGGTCCTTTTTTGCATCAGGGAGATCAAAAGATGAATTAGGTA-3'
Protein context (NP_055067.1, residues 179-199): REVPGYFFFF[Gly189Ser]GYELSRSFFA

ClinVar aggregate classification (germline): Conflicting classifications of pathogenicity. Review status: criteria provided, conflicting classifications (1 of 4 stars). 5 submissions from 5 submitters: Uncertain significance (2); Benign (1); Likely benign (1). 1 of the submissions does not count toward it. Last evaluated 2026-01-27.

Conditions:
SLC25A15-related disorder. Also called: SLC25A15-related condition.
Inborn genetic diseases. Identifiers: MedGen C0950123, MeSH D030342.
Hyperornithinemia-hyperammonemia-homocitrullinuria syndrome (HHHS). Also called: HHH SYNDROME; Ornithine translocase deficiency. Identifiers: Orphanet 415, MedGen C0268540, MONDO:0009393, OMIM 238970.

Allele frequency attached by ClinVar (database versions not stated): 1000 Genomes Project 30x 0.00016; 1000 Genomes Project 0.00020; TOPMed 0.00043; ESP Exome Variant Server 0.00046.
gnomAD v4.1: 522 of 1,614,086 alleles (0.032%); highest among the groups gnomAD compares: Middle Eastern, 0.16%; 1 homozygote.

Submissions (5):

Labcorp Genetics (formerly Invitae), Labcorp
Classification: Benign for Hyperornithinemia-hyperammonemia-homocitrullinuria syndrome. Last evaluated: 2026-01-27. Review status: criteria provided, single submitter. Criteria: Invitae Variant Classification Sherloc (09022015). Collection method: clinical testing. Allele origin: germline.

Ambry Genetics
Classification: Likely benign for Inborn genetic diseases. Last evaluated: 2022-01-28. Review status: criteria provided, single submitter. Criteria: Ambry Variant Classification Scheme 2023. Collection method: clinical testing. Allele origin: germline.

GeneDx
Classification: Uncertain significance. Last evaluated: 2019-09-09. Review status: criteria provided, single submitter. Criteria: GeneDx Variant Classification Process June 2021. Collection method: clinical testing. Allele origin: germline. Affected: yes.
Comment: The majority of missense variants in this gene are considered pathogenic [(Stenson et al., 2014; other references)]; In silico analysis, which includes protein predictors and evolutionary conservation, supports a deleterious effect; Has not been previously published as pathogenic or benign to our knowledge

Illumina Laboratory Services, Illumina
Classification: Uncertain significance for Hyperornithinemia-hyperammonemia-homocitrullinuria syndrome. Last evaluated: 2018-01-13. Review status: criteria provided, single submitter. Criteria: ICSL Variant Classification Criteria 13 December 2019. Collection method: clinical testing. Allele origin: germline.

PreventionGenetics, part of Exact Sciences
Classification: Benign for SLC25A15-related condition. Last evaluated: 2019-10-02. Review status: no assertion criteria provided. Collection method: clinical testing. Allele origin: germline. Not counted in ClinVar's aggregate classification.
Comment: This variant is classified as benign based on ACMG/AMP sequence variant interpretation guidelines (Richards et al. 2015 PMID: 25741868, with internal and published modifications).